The following is an entry in ClinVar:

ClinVar aggregate classification (germline): Likely pathogenic (1 of 4 stars; one submission).

Conditions:
CFTR-related disorder (CFTR-RD). Also called: CFTR-related disorders; CFTR-related condition. Identifiers: MedGen C5924204, MONDO:7770004.

Submission:

Natera, Inc.
Classification: Likely pathogenic for CFTR-related disorders. Last evaluated: 2025-12-10. Review status: criteria provided, single submitter. Criteria: Natera Variant Classification Schema (03/2026). Collection method: clinical testing. Allele origin: germline.
Comment: The c.3739G>C variant in CFTR is a missense variant predicted to cause substitution of glycine to arginine at amino acid 1247. This variant is rare in the general population with a frequency below the threshold expected for the associated phenotype(s). This variant has been observed in one or more individuals affected with the associated recessive disease, as either homozygous or compound heterozygous with a second variant (PMID: 25910067). Functional studies show that this variant may disrupt protein function (PMID: 38388235). Computational prediction algorithms indicate this variant is likely to affect gene or protein function. Given the available evidence, this variant is classified as Likely Pathogenic.

Literature cited by the submitters: PubMed 25910067; PubMed 38388235.

NM_000492.4(CFTR):c.3739G>C (p.Gly1247Arg)

Genes: CFTR (CF transmembrane conductance regulator; plus strand), CFTR-AS2 (CFTR antisense RNA 2; minus strand). Cytogenetic location: 7q31.2.
Variant type: single nucleotide variant.
Coding change: c.3739G>C on transcript NM_000492.4 (MANE Select); coding-DNA position 3739, G replaced by C.
Protein change: p.Gly1247Arg; replaces glycine 1247 with arginine.
Molecular consequence: missense variant.
Genome position (GRCh38, 1-based): chr7:117,642,459, G>C. VCF-style: chr7-117642459-G-C. GRCh37 (hg19) VCF-style: chr7-117282513-G-C.
Other names: short protein forms G1247R.
Identifiers: ClinVar variation 4818546 (VCV004818546.1), dbSNP rs397508601.